The following is an entry in ClinVar:

ClinVar aggregate classification (germline): Uncertain significance (1 of 4 stars; one submission).

Allele frequency attached by ClinVar (database versions not stated): gnomAD exomes 0.00010; ExAC 0.00021; TOPMed 0.00004; gnomAD 0.00007; ESP Exome Variant Server 0.00015.
gnomAD v4.1: 161 of 1,607,204 alleles (0.01%); highest among the groups gnomAD compares: South Asian, 0.13%; 1 homozygote.

Submission:

Labcorp Genetics (formerly Invitae), Labcorp
Classification: Uncertain significance. Last evaluated: 2025-02-06. Review status: criteria provided, single submitter. Criteria: Invitae Variant Classification Sherloc (09022015). Collection method: clinical testing. Allele origin: germline.
Comment: This sequence change replaces threonine, which is neutral and polar, with isoleucine, which is neutral and non-polar, at codon 68 of the A4GALT protein (p.Thr68Ile). This variant is present in population databases (rs138624393, gnomAD 0.1%), and has an allele count higher than expected for a pathogenic variant. This variant has not been reported in the literature in individuals affected with A4GALT-related conditions. ClinVar contains an entry for this variant (Variation ID: 2889036). An algorithm developed to predict the effect of missense changes on protein structure and function (PolyPhen-2) suggests that this variant is likely to be tolerated. In summary, the available evidence is currently insufficient to determine the role of this variant in disease. Therefore, it has been classified as a Variant of Uncertain Significance.

NM_017436.7(A4GALT):c.203C>T (p.Thr68Ile)

Gene: A4GALT (alpha 1,4-galactosyltransferase (P1PK blood group); minus strand). Cytogenetic location: 22q13.2.
Variant type: single nucleotide variant.
Coding change: c.203C>T on transcript NM_017436.7 (MANE Select); coding-DNA position 203, C replaced by T.
Protein change: p.Thr68Ile; replaces threonine 68 with isoleucine.
Molecular consequence: missense variant.
Genome position (GRCh38, 1-based): chr22:42,693,749, G>A on the plus strand (C>T on the coding strand, the complement: A4GALT is on the minus strand). VCF-style: chr22-42693749-G-A. GRCh37 (hg19) VCF-style: chr22-43089755-G-A.
Other names: c.203C>T, p.Thr68Ile (NM_001318038.3); short protein forms T68I.
Identifiers: ClinVar variation 2889036 (VCV002889036.3), dbSNP rs138624393, ClinGen allele CA10270364.